The following is an entry in ClinVar:

NM_005732.4(RAD50):c.1597A>G (p.Thr533Ala)

Gene: RAD50 (RAD50 double strand break repair protein; plus strand). Cytogenetic location: 5q31.1.
Variant type: single nucleotide variant.
Coding change: c.1597A>G on transcript NM_005732.4 (MANE Select); coding-DNA position 1597, A replaced by G.
Protein change: p.Thr533Ala; replaces threonine 533 with alanine.
Molecular consequence: missense variant.
Genome position (GRCh38, 1-based): chr5:132,591,368, A>G. VCF-style: chr5-132591368-A-G. GRCh37 (hg19) VCF-style: chr5-131927060-A-G.
Other names: short protein forms T533A.
Identifiers: ClinVar variation 860133 (VCV000860133.13), dbSNP rs1310654203, ClinGen allele CA360946071.

ClinVar aggregate classification (germline): Uncertain significance. Review status: criteria provided, multiple submitters, no conflicts (2 of 4 stars). 3 submissions from 3 submitters: Uncertain significance (3). Last evaluated 2025-11-03.

Conditions:
Hereditary cancer-predisposing syndrome. Also called: Tumor predisposition; Hereditary neoplastic syndrome; Neoplastic Syndromes, Hereditary; Hereditary Cancer Syndrome. Identifiers: Orphanet 140162, MedGen C0027672, MeSH D009386, MONDO:0015356.

Allele frequency attached by ClinVar (database versions not stated): gnomAD exomes below 0.00001 and 0.00001.
gnomAD v4.1: 12 of 1,613,936 alleles (0.00074%); highest among the groups gnomAD compares: Non-Finnish European, 0.001%; no homozygotes.

Submissions (3):

Ambry Genetics
Classification: Uncertain significance for Hereditary cancer-predisposing syndrome. Last evaluated: 2025-11-03. Review status: criteria provided, single submitter. Criteria: Ambry Variant Classification Scheme 2023. Collection method: clinical testing. Allele origin: germline.
Comment: The p.T533A variant (also known as c.1597A>G), located in coding exon 10 of the RAD50 gene, results from an A to G substitution at nucleotide position 1597. The threonine at codon 533 is replaced by alanine, an amino acid with similar properties. This amino acid position is conserved. In addition, this alteration is predicted to be tolerated by in silico analysis. Since supporting evidence is limited at this time, the clinical significance of this alteration remains unclear.

Labcorp Genetics (formerly Invitae), Labcorp
Classification: Uncertain significance for Hereditary cancer-predisposing syndrome. Last evaluated: 2023-10-23. Review status: criteria provided, single submitter. Criteria: Invitae Variant Classification Sherloc (09022015). Collection method: clinical testing. Allele origin: germline.
Comment: This sequence change replaces threonine, which is neutral and polar, with alanine, which is neutral and non-polar, at codon 533 of the RAD50 protein (p.Thr533Ala). This variant is present in population databases (no rsID available, gnomAD 0.0009%). This variant has not been reported in the literature in individuals affected with RAD50-related conditions. ClinVar contains an entry for this variant (Variation ID: 860133). Advanced modeling of protein sequence and biophysical properties (such as structural, functional, and spatial information, amino acid conservation, physicochemical variation, residue mobility, and thermodynamic stability) performed at Invitae indicates that this missense variant is not expected to disrupt RAD50 protein function. In summary, the available evidence is currently insufficient to determine the role of this variant in disease. Therefore, it has been classified as a Variant of Uncertain Significance.

Breakthrough Genomics
Classification: Uncertain significance. Review status: criteria provided, single submitter. Criteria: ACMG Guidelines, 2015. Collection method: not provided. Allele origin: germline. Inheritance: Autosomal recessive inheritance. Affected: yes.